The following is an entry in ClinVar:

ClinVar aggregate classification (germline): Uncertain significance (1 of 4 stars; one submission).

Submission:

GeneDx
Classification: Uncertain significance. Last evaluated: 2024-09-30. Review status: criteria provided, single submitter. Criteria: GeneDx Variant Classification Process June 2021. Collection method: clinical testing. Allele origin: germline. Affected: yes.
Comment: Identified in two unrelated patients with HPE and whose variants were inherited from asymptomatic parents (PMID: 19346217, 20531442); Not observed at significant frequency in large population cohorts (gnomAD); In silico analysis supports that this missense variant has a deleterious effect on protein structure/function; This variant is associated with the following publications: (PMID: 19346217, 20531442)

NM_005413.4(SIX3):c.769C>G (p.Arg257Gly)

Gene: SIX3 (SIX homeobox 3; plus strand). Cytogenetic location: 2p21.
Variant type: single nucleotide variant.
Coding change: c.769C>G on transcript NM_005413.4 (MANE Select); coding-DNA position 769, C replaced by G.
Protein change: p.Arg257Gly; replaces arginine 257 with glycine.
Molecular consequence: missense variant.
Genome position (GRCh38, 1-based): chr2:44,942,873, C>G. VCF-style: chr2-44942873-C-G. GRCh37 (hg19) VCF-style: chr2-45170012-C-G.
Other names: short protein forms R257G.
Identifiers: ClinVar variation 3774933 (VCV003774933.1).